The following is an entry in ClinVar:

ClinVar aggregate classification (germline): Uncertain significance (1 of 4 stars; one submission).

Conditions:
Dyskeratosis congenita. Identifiers: Orphanet 1775, MedGen C0265965, MONDO:0015780.

Submission:

Labcorp Genetics (formerly Invitae), Labcorp
Classification: Uncertain significance for Dyskeratosis congenita. Last evaluated: 2021-11-30. Review status: criteria provided, single submitter. Criteria: Invitae Variant Classification Sherloc (09022015). Collection method: clinical testing. Allele origin: germline.
Comment: This sequence change replaces alanine, which is neutral and non-polar, with threonine, which is neutral and polar, at codon 1132 of the CTC1 protein (p.Ala1132Thr). This variant is not present in population databases (gnomAD no frequency). This variant has not been reported in the literature in individuals affected with CTC1-related conditions. ClinVar contains an entry for this variant (Variation ID: 1010904). Algorithms developed to predict the effect of missense changes on protein structure and function output the following: SIFT: "Tolerated"; PolyPhen-2: "Benign"; Align-GVGD: "Class C0". The threonine amino acid residue is found in multiple mammalian species, which suggests that this missense change does not adversely affect protein function. In summary, the available evidence is currently insufficient to determine the role of this variant in disease. Therefore, it has been classified as a Variant of Uncertain Significance.

NM_025099.6(CTC1):c.3394G>A (p.Ala1132Thr)

Gene: CTC1 (CST telomere replication complex component 1; minus strand). Cytogenetic location: 17p13.1.
Variant type: single nucleotide variant.
Coding change: c.3394G>A on transcript NM_025099.6 (MANE Select); coding-DNA position 3394, G replaced by A.
Protein change: p.Ala1132Thr; replaces alanine 1132 with threonine.
Molecular consequence: missense variant. On other transcripts: non-coding transcript variant (1).
Genome position (GRCh38, 1-based): chr17:8,228,623, C>T on the plus strand (G>A on the coding strand, the complement: CTC1 is on the minus strand). VCF-style: chr17-8228623-C-T. GRCh37 (hg19) VCF-style: chr17-8131941-C-T.
Other names: short protein forms A1132T.
Identifiers: ClinVar variation 1010904 (VCV001010904.6), dbSNP rs1986931683, ClinGen allele CA397968915.
Genomic context (GRCh38, chr17:8,228,623, plus strand): 5'-GGACAGAGGGGCTAGTACAAAGTGTCCAGAGGAACATGGTCATGGGCTCGTCAACCCTGG[C>T]TGAAGACTAGAAAGAGAAGGTCAAGGTTAACTGGCTCCTAAACCCTTTGCCAAAAGCCCA-3'
Protein context (NP_079375.3, residues 1122-1142): AGPGAQLESS[Ala1132Thr]RVDEPMTMFL